The following is an entry in ClinVar:

ClinVar aggregate classification (germline): Pathogenic (1 of 4 stars; one submission).

Conditions:
Lynch syndrome 5 (LYNCH5). Also called: Colorectal cancer, hereditary nonpolyposis, type 5; Hereditary non-polyposis colorectal cancer, type 5. Identifiers: Orphanet 144, MedGen C1833477, MONDO:0013710, OMIM 614350. Disease mechanism: loss of function.

Submission:

Myriad Genetics, Inc.
Classification: Pathogenic for Lynch syndrome 5. Last evaluated: 2026-07-06. Review status: criteria provided, single submitter. Criteria: Myriad Autosomal Dominant, Autosomal Recessive and X-Linked Classification Criteria (2023). Collection method: clinical testing. Allele origin: unknown.
Comment: This variant is considered pathogenic. This variant creates a frameshift predicted to result in premature protein truncation.

NM_000179.3(MSH6):c.2502_2512del (p.Gln835fs)

Gene: MSH6 (mutS homolog 6; plus strand). Cytogenetic location: 2p16.3.
Variant type: Deletion.
Coding change: c.2502_2512del on transcript NM_000179.3 (MANE Select); coding-DNA positions 2502 to 2512, 11 bases deleted (TCAGAACCACC).
Protein change: p.Gln835fs; shifts the reading frame from glutamine 835.
Molecular consequence: frameshift variant. On other transcripts: non-coding transcript variant (5), intron variant (3).
Genome position (GRCh38, 1-based): chr2:47,800,485-47,800,495, TCAGAACCACC deleted. VCF-style (leftmost placement, unchanged base first): chr2-47800484-GTCAGAACCACC-G. GRCh37 (hg19) VCF-style: chr2-48027623-GTCAGAACCACC-G.
Other names: c.2308+194_2308+204del (NM_001406803.1); c.1606+896_1606+906del (NM_001406817.1); c.628-181_628-171del (NM_001407362.1); c.2112_2122del, p.Gln705fs (NM_001281492.2); c.1596_1606del, p.Gln533fs (NM_001281493.2, NM_001281494.2, NM_001406811.1 and 6 more transcripts); c.2598_2608del, p.Gln867fs (NM_001406795.1, NM_001406802.1); c.2502_2512del, p.Gln835fs (NM_001406796.1, NM_001406798.1, NM_001406800.1 and 2 more transcripts); c.2205_2215del, p.Gln736fs (NM_001406797.1, NM_001406801.1, NM_001406805.1 and 10 more transcripts); and 4 more; short protein forms Q533fs, Q660fs, Q705fs, Q736fs, Q779fs, Q809fs, Q835fs, Q837fs.
Identifiers: ClinVar variation 5042200 (VCV005042200.1).
Genomic context (GRCh38, chr2:47,800,484, plus strand): 5'-AGCTTCCAGATCTTGAGAGGCTACTCAGTAAAATTCATAATGTTGGGTCTCCCCTGAAGA[GTCAGAACCACC>G]CAGACAGCAGGGCTATAATGTATGAAGAAACTACATACAGCAAGAAGAAGATTATTGATT-3'